The following is an entry in ClinVar:

ClinVar aggregate classification (germline): Conflicting classifications of pathogenicity. Review status: criteria provided, conflicting classifications (1 of 4 stars). 3 submissions from 3 submitters: Uncertain significance (2); Likely benign (1). Last evaluated 2025-12-22.

Conditions:
Rhabdoid tumor predisposition syndrome 2 (RTPS2). Identifiers: Orphanet 231108, Orphanet 69077, MedGen C2750074, MONDO:0013224, OMIM 613325.
Hereditary cancer-predisposing syndrome. Also called: Neoplastic Syndromes, Hereditary; Tumor predisposition; Hereditary neoplastic syndrome; Hereditary Cancer Syndrome. Identifiers: Orphanet 140162, MedGen C0027672, MeSH D009386, MONDO:0015356.
Intellectual disability, autosomal dominant 16 (CSS4). Also called: COFFIN-SIRIS SYNDROME 4. Identifiers: Orphanet 1465, MedGen C3553249, MONDO:0013821, OMIM 614609.

Allele frequency attached by ClinVar (database versions not stated): gnomAD exomes below 0.00001 and 0.00001; TOPMed 0.00001; gnomAD 0.00002.
gnomAD v4.1: 15 of 1,613,478 alleles (0.00093%); highest among the groups gnomAD compares: Non-Finnish European, 0.0011%; no homozygotes.

Submissions (3):

Labcorp Genetics (formerly Invitae), Labcorp
Classification: Uncertain significance for Rhabdoid tumor predisposition syndrome 2. Last evaluated: 2025-12-22. Review status: criteria provided, single submitter. Criteria: Invitae Variant Classification Sherloc (09022015). Collection method: clinical testing. Allele origin: germline.
Comment: This sequence change replaces asparagine, which is neutral and polar, with serine, which is neutral and polar, at codon 1489 of the SMARCA4 protein (p.Asn1489Ser). This variant is present in population databases (no rsID available, gnomAD 0.0009%). This variant has not been reported in the literature in individuals affected with SMARCA4-related conditions. ClinVar contains an entry for this variant (Variation ID: 566801). An algorithm developed to predict the effect of missense changes on protein structure and function outputs the following: PolyPhen-2: "Benign". The serine amino acid residue is found in multiple mammalian species, which suggests that this missense change does not adversely affect protein function. In summary, the available evidence is currently insufficient to determine the role of this variant in disease. Therefore, it has been classified as a Variant of Uncertain Significance.

Genome-Nilou Lab
Classification: Uncertain significance for Intellectual disability, autosomal dominant 16. Last evaluated: 2021-07-15. Review status: criteria provided, single submitter. Criteria: ACMG Guidelines, 2015. Collection method: clinical testing. Allele origin: germline. Affected: no.

Ambry Genetics
Classification: Likely benign for Hereditary cancer-predisposing syndrome. Last evaluated: 2021-04-22. Review status: criteria provided, single submitter. Criteria: Ambry Variant Classification Scheme 2023. Collection method: clinical testing. Allele origin: germline.

NM_003072.5(SMARCA4):c.4370A>G (p.Asn1457Ser)

Gene: SMARCA4 (SWI/SNF related BAF chromatin remodeling complex subunit ATPase 4; plus strand). Cytogenetic location: 19p13.2.
Variant type: single nucleotide variant.
Coding change: c.4370A>G on transcript NM_003072.5 (MANE Select); coding-DNA position 4370, A replaced by G.
Protein change: p.Asn1457Ser; replaces asparagine 1457 with serine.
Molecular consequence: missense variant. On other transcripts: non-coding transcript variant (1).
Genome position (GRCh38, 1-based): chr19:11,041,506, A>G. VCF-style: chr19-11041506-A-G. GRCh37 (hg19) VCF-style: chr19-11152182-A-G.
Other names: c.4370A>G, p.Asn1457Ser (NM_001128844.3); c.4280A>G, p.Asn1427Ser (NM_001128845.2, NM_001128846.2); c.4271A>G, p.Asn1424Ser (NM_001128847.4, NM_001128848.2, NM_001374457.1); c.4466A>G, p.Asn1489Ser (NM_001128849.3, NM_001387283.1); short protein forms N1489S, N1427S, N1457S, N1424S.
Identifiers: ClinVar variation 566801 (VCV000566801.17), dbSNP rs1434396338, ClinGen allele CA404074028.